The following is an entry in ClinVar:

NM_001943.5(DSG2):c.2443A>C (p.Ser815Arg)

Genes: DSG2 (desmoglein 2; plus strand), DSG2-AS1 (DSG2 antisense RNA 1; minus strand). Cytogenetic location: 18q12.1.
Variant type: single nucleotide variant.
Coding change: c.2443A>C on transcript NM_001943.5 (MANE Select); coding-DNA position 2443, A replaced by C.
Protein change: p.Ser815Arg; replaces serine 815 with arginine.
Molecular consequence: missense variant. On other transcripts: non-coding transcript variant (1).
Genome position (GRCh38, 1-based): chr18:31,545,829, A>C. VCF-style: chr18-31545829-A-C. GRCh37 (hg19) VCF-style: chr18-29125792-A-C.
Other names: short protein forms S815R.
Identifiers: ClinVar variation 950676 (VCV000950676.1), dbSNP rs1227447609, ClinGen allele CA402144603.

ClinVar aggregate classification (germline): Uncertain significance (1 of 4 stars; one submission).

Conditions:
Arrhythmogenic right ventricular dysplasia 10. Also called: Arrhythmogenic right ventricular dysplasia/cardiomyopathy, type 10; Arrhythmogenic Right Ventricular Dysplasia/Cardiomyopathy10; ARRHYTHMOGENIC RIGHT VENTRICULAR DYSPLASIA, FAMILIAL, 10. Identifiers: MedGen C1857777, MONDO:0012434, OMIM 610193.

Submission:

Labcorp Genetics (formerly Invitae), Labcorp
Classification: Uncertain significance for Arrhythmogenic right ventricular cardiomyopathy, type 10. Last evaluated: 2019-06-29. Review status: criteria provided, single submitter. Criteria: Invitae Variant Classification Sherloc (09022015). Collection method: clinical testing. Allele origin: germline.
Comment: This sequence change replaces serine with arginine at codon 815 of the DSG2 protein (p.Ser815Arg). The serine residue is highly conserved and there is a moderate physicochemical difference between serine and arginine. This variant is not present in population databases (ExAC no frequency). This variant has not been reported in the literature in individuals with DSG2-related conditions. Algorithms developed to predict the effect of missense changes on protein structure and function (SIFT, PolyPhen-2, Align-GVGD) all suggest that this variant is likely to be disruptive, but these predictions have not been confirmed by published functional studies and their clinical significance is uncertain. In summary, the available evidence is currently insufficient to determine the role of this variant in disease. Therefore, it has been classified as a Variant of Uncertain Significance.